The following is an entry in ClinVar:

ClinVar aggregate classification (germline): Uncertain significance (1 of 4 stars; one submission).

Conditions:
Monogenic diabetes. Identifiers: Orphanet 183625, MedGen C3888631, MONDO:0015967.

Allele frequency attached by ClinVar (database versions not stated): gnomAD exomes 0.00001; TOPMed 0.00003; ExAC 0.00002; gnomAD 0.00001.
gnomAD v4.1: 1 of 1,612,804 alleles (0.000062%); highest among the groups gnomAD compares: African/African-American, 0.0013%; no homozygotes.

Submission:

Personalized Diabetes Medicine Program, University of Maryland School of Medicine
Classification: Uncertain significance for Monogenic diabetes. Last evaluated: 2016-05-13. Review status: criteria provided, single submitter. Criteria: ACMG Guidelines, 2015. Collection method: research. Allele origin: unknown. Observed: 1 variant allele, 1 heterozygote.
Comment: ACMG Criteria: PP3, BP4

NM_001042413.2(GLIS3):c.590A>T (p.Asp197Val)

Gene: GLIS3 (GLIS family zinc finger 3; minus strand). Cytogenetic location: 9p24.2.
Variant type: single nucleotide variant.
Coding change: c.590A>T on transcript NM_001042413.2 (MANE Select); coding-DNA position 590, A replaced by T.
Protein change: p.Asp197Val; replaces aspartic acid 197 with valine.
Molecular consequence: missense variant.
Genome position (GRCh38, 1-based): chr9:4,125,740, T>A on the plus strand (A>T on the coding strand, the complement: GLIS3 is on the minus strand). VCF-style: chr9-4125740-T-A. GRCh37 (hg19) VCF-style: chr9-4125740-T-A.
Other names: c.125A>T, p.Asp42Val (NM_152629.4); short protein forms D197V, D42V.
Identifiers: ClinVar variation 393418 (VCV000393418.1), dbSNP rs761151597, ClinGen allele CA4968502.
Genomic context (GRCh38, chr9:4,125,740, plus strand): 5'-TTGTGGGGTGTGTTTATACCATAAAGAAAGGGGAAAAAAAAGTTAACTTGAGACCTGGTA[T>A]CTGAAGGAGGTATATTCAGGTTGGCTGCATTCATTGCCCTCTGTAAGCTAGGACTGATCT-3'
Protein context (NP_001035878.1, residues 187-207): NAANLNIPPS[Asp197Val]TRSLISRESL